The following is an entry in ClinVar:

NM_000055.4(BCHE):c.1685-14T>C

Gene: BCHE (butyrylcholinesterase; minus strand). Cytogenetic location: 3q26.1.
Variant type: single nucleotide variant.
Coding change: c.1685-14T>C on transcript NM_000055.4 (MANE Select); 14 bases into the intron before coding-DNA position 1685, T replaced by C.
Molecular consequence: intron variant.
Genome position (GRCh38, 1-based): chr3:165,773,520, A>G on the plus strand (T>C on the coding strand, the complement: BCHE is on the minus strand). VCF-style: chr3-165773520-A-G. GRCh37 (hg19) VCF-style: chr3-165491308-A-G.
Identifiers: ClinVar variation 899829 (VCV000899829.5), dbSNP rs56325145, ClinGen allele CA2692211.

ClinVar aggregate classification (germline): Conflicting classifications of pathogenicity. Review status: criteria provided, conflicting classifications (1 of 4 stars). 2 submissions from 2 submitters: Uncertain significance (1); Likely benign (1). Last evaluated 2024-10-22.

Conditions:
Deficiency of butyrylcholinesterase (BCHED). Also called: Butyrylcholinesterase deficiency; BCHE, silent 1; Acholinesterasemia; Deficiency of butyrylcholine esterase. Identifiers: Orphanet 132, MedGen C1283400, MONDO:0015270, OMIM 617936.

Allele frequency attached by ClinVar (database versions not stated): gnomAD exomes 0.00022 and 0.00028; ExAC 0.00024; gnomAD 0.00028; TOPMed 0.00031.
gnomAD v4.1: 436 of 1,600,072 alleles (0.027%); highest among the groups gnomAD compares: Non-Finnish European, 0.031%; no homozygotes.

Submissions (2):

Blueprint Genetics
Classification: Likely benign. Last evaluated: 2024-10-22. Review status: criteria provided, single submitter. Criteria: ACMG Guidelines, 2015. Collection method: clinical testing. Allele origin: germline.

Illumina Laboratory Services, Illumina
Classification: Uncertain significance for Deficiency of butyrylcholinesterase. Last evaluated: 2017-04-28. Review status: criteria provided, single submitter. Criteria: ICSL Variant Classification Criteria 13 December 2019. Collection method: clinical testing. Allele origin: germline.
Comment: This variant was observed as part of a predisposition screen in an ostensibly healthy population. A literature search was performed for the gene, cDNA change, and amino acid change (where applicable). Publications were found based on this search. However, the evidence from the literature, in combination with allele frequency data from public databases where available, was not sufficient to rule this variant in or out of causing disease. Therefore, this variant is classified as a variant of unknown significance.

Literature cited by the submitters: PubMed 18075469 (cited by Illumina Laboratory Services, Illumina).